The following is an entry in ClinVar:

NM_016203.4(PRKAG2):c.1188T>G (p.Leu396=)

Gene: PRKAG2 (protein kinase AMP-activated non-catalytic subunit gamma 2; minus strand). Cytogenetic location: 7q36.1.
Variant type: single nucleotide variant.
Coding change: c.1188T>G on transcript NM_016203.4 (MANE Select); coding-DNA position 1188, T replaced by G.
Protein change: p.Leu396=; no amino-acid change (leucine 396 retained).
Molecular consequence: synonymous variant.
Genome position (GRCh38, 1-based): chr7:151,568,761, A>C on the plus strand (T>G on the coding strand, the complement: PRKAG2 is on the minus strand). VCF-style: chr7-151568761-A-C. GRCh37 (hg19) VCF-style: chr7-151265847-A-C.
Other names: c.1188T>G, p.Leu396= (NM_001407021.1); c.1185T>G, p.Leu395= (NM_001407022.1, NM_001407023.1); c.1056T>G, p.Leu352= (NM_001407024.1, NM_001040633.2); c.1053T>G, p.Leu351= (NM_001407026.1, NM_001407027.1); c.816T>G, p.Leu272= (NM_001407028.1, NM_001363698.2); c.813T>G, p.Leu271= (NM_001407029.1, NM_001304527.2); c.900T>G, p.Leu300= (NM_001407030.1); c.897T>G, p.Leu299= (NM_001407031.1); and 6 more.
Identifiers: ClinVar variation 3074715 (VCV003074715.1), dbSNP rs1471327359, ClinGen allele CA458668858.

ClinVar aggregate classification (germline): Likely benign (1 of 4 stars; one submission).

Conditions:
Hypertrophic cardiomyopathy. Also called: HYPERTROPHIC MYOCARDIOPATHY. Identifiers: Orphanet 217569, MedGen C0007194, MeSH D002312, MONDO:0005045, HP:0001639.

gnomAD v4.1: 1 of 1,614,072 alleles (0.000062%); highest among the groups gnomAD compares: Non-Finnish European, 0.000085%; no homozygotes.

Submission:

All of Us Research Program, National Institutes of Health
Classification: Likely benign for Hypertrophic cardiomyopathy. Last evaluated: 2023-11-20. Review status: criteria provided, single submitter. Criteria: ACMG Guidelines, 2015. Collection method: clinical testing. Allele origin: germline. Inheritance: Autosomal dominant inheritance. Observed: 1 variant allele, 1 heterozygote.
Comment: This study involves interpretation of variants in research participants for the purpose of population health screening. Participant phenotype was not available at the time of variant classification. Additional details can be found in publication PMID: 35346344, PMCID: PMC8962531